The following is an entry in ClinVar:

NM_145262.4(GLYCTK):c.872C>T (p.Ala291Val)

Gene: GLYCTK (glycerate kinase; plus strand). Cytogenetic location: 3p21.2.
Variant type: single nucleotide variant.
Coding change: c.872C>T on transcript NM_145262.4 (MANE Select); coding-DNA position 872, C replaced by T.
Protein change: p.Ala291Val; replaces alanine 291 with valine.
Molecular consequence: missense variant. On other transcripts: synonymous variant (1), non-coding transcript variant (3).
Genome position (GRCh38, 1-based): chr3:52,292,426, C>T. VCF-style: chr3-52292426-C-T. GRCh37 (hg19) VCF-style: chr3-52326442-C-T.
Other names: c.696C>T, p.Gly232= (NM_001144951.2); short protein forms A291V.
Identifiers: ClinVar variation 1494619 (VCV001494619.8), dbSNP rs2153221107, ClinGen allele CA353073836.

ClinVar aggregate classification (germline): Uncertain significance (1 of 4 stars; one submission).

Submission:

Labcorp Genetics (formerly Invitae), Labcorp
Classification: Uncertain significance. Last evaluated: 2021-12-03. Review status: criteria provided, single submitter. Criteria: Invitae Variant Classification Sherloc (09022015). Collection method: clinical testing. Allele origin: germline.
Comment: In summary, the available evidence is currently insufficient to determine the role of this variant in disease. Therefore, it has been classified as a Variant of Uncertain Significance. Algorithms developed to predict the effect of missense changes on protein structure and function (SIFT, PolyPhen-2, Align-GVGD) all suggest that this variant is likely to be tolerated. This variant has not been reported in the literature in individuals affected with GLYCTK-related conditions. This variant is not present in population databases (gnomAD no frequency). This sequence change replaces alanine, which is neutral and non-polar, with valine, which is neutral and non-polar, at codon 291 of the GLYCTK protein (p.Ala291Val).